The following is an entry in ClinVar:

NM_033305.3(VPS13A):c.413C>G (p.Thr138Ser)

Gene: VPS13A (vacuolar protein sorting 13 homolog A; plus strand). Cytogenetic location: 9q21.2.
Variant type: single nucleotide variant.
Coding change: c.413C>G on transcript NM_033305.3 (MANE Select); coding-DNA position 413, C replaced by G.
Protein change: p.Thr138Ser; replaces threonine 138 with serine.
Molecular consequence: missense variant.
Genome position (GRCh38, 1-based): chr9:77,209,450, C>G. VCF-style: chr9-77209450-C-G. GRCh37 (hg19) VCF-style: chr9-79824366-C-G.
Other names: c.413C>G, p.Thr138Ser (NM_001018037.2, NM_001018038.3, NM_015186.4); c.413C>G (NM_033305.2); short protein forms T138S.
Identifiers: ClinVar variation 2159245 (VCV002159245.2), dbSNP rs1034901281, ClinGen allele CA194364880.

ClinVar aggregate classification (germline): Uncertain significance. Review status: criteria provided, multiple submitters, no conflicts (2 of 4 stars). 2 submissions from 2 submitters: Uncertain significance (2). Last evaluated 2025-05-05.

Conditions:
Inborn genetic diseases. Identifiers: MedGen C0950123, MeSH D030342.

Allele frequency attached by ClinVar (database versions not stated): gnomAD exomes below 0.00001; TOPMed below 0.00001.
gnomAD v4.1: 4 of 1,612,636 alleles (0.00025%); highest among the groups gnomAD compares: Admixed American, 0.005%; no homozygotes.

Submissions (2):

Ambry Genetics
Classification: Uncertain significance for Inborn genetic diseases. Last evaluated: 2025-05-05. Review status: criteria provided, single submitter. Criteria: Ambry Variant Classification Scheme 2023. Collection method: clinical testing. Allele origin: germline.

Labcorp Genetics (formerly Invitae), Labcorp
Classification: Uncertain significance. Last evaluated: 2022-08-10. Review status: criteria provided, single submitter. Criteria: Invitae Variant Classification Sherloc (09022015). Collection method: clinical testing. Allele origin: germline.
Comment: This sequence change replaces threonine, which is neutral and polar, with serine, which is neutral and polar, at codon 138 of the VPS13A protein (p.Thr138Ser). This variant is present in population databases (no rsID available, gnomAD 0.006%). This variant has not been reported in the literature in individuals affected with VPS13A-related conditions. Algorithms developed to predict the effect of missense changes on protein structure and function (SIFT, PolyPhen-2, Align-GVGD) all suggest that this variant is likely to be tolerated. In summary, the available evidence is currently insufficient to determine the role of this variant in disease. Therefore, it has been classified as a Variant of Uncertain Significance.